The following is an entry in ClinVar:

NM_006230.4(POLD2):c.880G>A (p.Val294Met)

Gene: POLD2 (DNA polymerase delta 2, accessory subunit; minus strand). Cytogenetic location: 7p13.
Variant type: single nucleotide variant.
Coding change: c.880G>A on transcript NM_006230.4 (MANE Select); coding-DNA position 880, G replaced by A.
Protein change: p.Val294Met; replaces valine 294 with methionine.
Molecular consequence: missense variant.
Genome position (GRCh38, 1-based): chr7:44,116,254, C>T on the plus strand (G>A on the coding strand, the complement: POLD2 is on the minus strand). VCF-style: chr7-44116254-C-T. GRCh37 (hg19) VCF-style: chr7-44155853-C-T.
Other names: c.880G>A, p.Val294Met (NM_001127218.3, NM_001256879.2); c.880G>A (NM_001127218.1); short protein forms V294M.
Identifiers: ClinVar variation 2176219 (VCV002176219.5), dbSNP rs760568459, ClinGen allele CA4238684.

ClinVar aggregate classification (germline): Uncertain significance. Review status: criteria provided, multiple submitters, no conflicts (2 of 4 stars). 2 submissions from 2 submitters: Uncertain significance (2). Last evaluated 2025-07-16.

Allele frequency attached by ClinVar (database versions not stated): gnomAD 0.00001; ExAC 0.00003; gnomAD exomes 0.00003; TOPMed 0.00004.
gnomAD v4.1: 43 of 1,610,488 alleles (0.0027%); highest among the groups gnomAD compares: Admixed American, 0.0084%; no homozygotes.

Submissions (2):

Labcorp Genetics (formerly Invitae), Labcorp
Classification: Uncertain significance. Last evaluated: 2025-07-16. Review status: criteria provided, single submitter. Criteria: Invitae Variant Classification Sherloc (09022015). Collection method: clinical testing. Allele origin: germline.
Comment: This sequence change replaces valine, which is neutral and non-polar, with methionine, which is neutral and non-polar, at codon 329 of the POLD2 protein (p.Val329Met). This variant is present in population databases (rs760568459, gnomAD 0.01%). This variant has not been reported in the literature in individuals affected with POLD2-related conditions. ClinVar contains an entry for this variant (Variation ID: 2176219). Experimental studies and prediction algorithms are not available or were not evaluated, and the functional significance of this variant is currently unknown. In summary, the available evidence is currently insufficient to determine the role of this variant in disease. Therefore, it has been classified as a Variant of Uncertain Significance.

Ambry Genetics
Classification: Uncertain significance. Last evaluated: 2021-11-09. Review status: criteria provided, single submitter. Criteria: Ambry Variant Classification Scheme 2023. Collection method: clinical testing. Allele origin: germline.